The following is an entry in ClinVar:

ClinVar aggregate classification (germline): Uncertain significance (1 of 4 stars; one submission).

Conditions:
Nephronophthisis. Also called: Juvenile Nephronophthisis. Identifiers: Orphanet 655, MedGen C0687120, MONDO:0019005, HP:0000090.

Submission:

Labcorp Genetics (formerly Invitae), Labcorp
Classification: Uncertain significance for Nephronophthisis. Last evaluated: 2021-12-18. Review status: criteria provided, single submitter. Criteria: Invitae Variant Classification Sherloc (09022015). Collection method: clinical testing. Allele origin: germline.
Comment: This sequence change replaces serine, which is neutral and polar, with threonine, which is neutral and polar, at codon 331 of the NPHP4 protein (p.Ser331Thr). This variant also falls at the last nucleotide of exon 8, which is part of the consensus splice site for this exon. In summary, the available evidence is currently insufficient to determine the role of this variant in disease. Therefore, it has been classified as a Variant of Uncertain Significance. Variants that disrupt the consensus splice site are a relatively common cause of aberrant splicing (PMID: 17576681, 9536098). Algorithms developed to predict the effect of sequence changes on RNA splicing suggest that this variant may disrupt the consensus splice site. Algorithms developed to predict the effect of missense changes on protein structure and function are either unavailable or do not agree on the potential impact of this missense change (SIFT: "Deleterious"; PolyPhen-2: "Possibly Damaging"; Align-GVGD: "Class C0"). This variant has not been reported in the literature in individuals affected with NPHP4-related conditions. This variant is not present in population databases (gnomAD no frequency).

Literature cited by the submitters: PubMed 17576681; PubMed 9536098.

NM_015102.5(NPHP4):c.992G>C (p.Ser331Thr)

Gene: NPHP4 (nephrocystin 4; minus strand). Cytogenetic location: 1p36.31.
Variant type: single nucleotide variant.
Coding change: c.992G>C on transcript NM_015102.5 (MANE Select); coding-DNA position 992, G replaced by C.
Protein change: p.Ser331Thr; replaces serine 331 with threonine.
Molecular consequence: missense variant. On other transcripts: 5 prime UTR variant (2), non-coding transcript variant (1).
Genome position (GRCh38, 1-based): chr1:5,948,070, C>G on the plus strand (G>C on the coding strand, the complement: NPHP4 is on the minus strand). VCF-style: chr1-5948070-C-G. GRCh37 (hg19) VCF-style: chr1-6008130-C-G.
Other names: c.-375G>C (NM_001291593.2, NM_001291594.2); short protein forms S331T.
Identifiers: ClinVar variation 2200830 (VCV002200830.4), dbSNP rs2523139390, ClinGen allele CA338064393.